The following is an entry in ClinVar:

NM_153816.6(SNX14):c.170C>A (p.Ser57Ter)

Gene: SNX14 (sorting nexin 14; minus strand). Cytogenetic location: 6q14.3.
Variant type: single nucleotide variant.
Coding change: c.170C>A on transcript NM_153816.6 (MANE Select); coding-DNA position 170, C replaced by A.
Protein change: p.Ser57Ter; replaces serine 57 with a stop codon.
Molecular consequence: nonsense. On other transcripts: 5 prime UTR variant (9), non-coding transcript variant (6).
Genome position (GRCh38, 1-based): chr6:85,574,349, G>T on the plus strand (C>A on the coding strand, the complement: SNX14 is on the minus strand). VCF-style: chr6-85574349-G-T. GRCh37 (hg19) VCF-style: chr6-86284067-G-T.
Other names: c.170C>A, p.Ser57Ter (NM_001350538.2, NM_001350540.2, NM_001350541.2 and 7 more transcripts); c.14C>A, p.Ser5Ter (NM_001350539.2, NM_001350542.2, NM_001350543.2 and 2 more transcripts); c.-231C>A (NM_001350545.2, NM_001350546.2); c.-796C>A (NM_001350547.2); c.-850C>A (NM_001350548.2); c.-982C>A (NM_001350549.2, NM_001350550.2, NM_001350553.2); c.-897C>A (NM_001350551.2); c.-1014C>A (NM_001350552.2); and 1 more; short protein forms S5*, S57*, S78*.
Identifiers: ClinVar variation 5042601 (VCV005042601.1).

ClinVar aggregate classification (germline): Uncertain significance (1 of 4 stars; one submission).

Conditions:
Autosomal recessive spinocerebellar ataxia 20. Identifiers: Orphanet 397709, MedGen C5190595, MONDO:0014601, OMIM 616354.

Submission:

Cellular and Molecular Research Center, Cellular and Molecular Medicine Research Institute,, Urmia University of Medical Sciences
Classification: Uncertain significance for Autosomal recessive spinocerebellar ataxia 20. Last evaluated: 2026-10-14. Review status: criteria provided, single submitter. Criteria: ACMG Guidelines, 2015. Collection method: clinical testing. Allele origin: germline. Inheritance: Autosomal recessive inheritance. Affected: yes. Observed: 1 variant allele, 1 compound heterozygote.
Comment: The SNX14 gene (OMIM: 616105), located on chromosome 6q14.3, encodes Sorting Nexin 14, a protein involved in intracellular membrane trafficking, endosomal function, autophagy, and lipid homeostasis. SNX14 contains Phox homology (PX) and regulator of G-protein signaling (RGS) domains and plays an important role in neuronal development and cerebellar function. The association between SNX14 and autosomal recessive spinocerebellar ataxia type 20 (SCAR20; OMIM: 616354) was first established in 2014.The researchers identified pathogenic homozygous variants in seven affected individuals from three unrelated consanguineous families. The clinical manifestations included moderate-to-severe intellectual disability, cerebellar ataxia, progressive cerebellar atrophy, sensorineural hearing loss, and characteristic coarse facial features. Genetic testing identified a homozygous nonsense variant in SNX14 (NM_001350532:exon3:c.233C>A, p.Ser78Ter; chr6:85574349). The variant is not listed in ClinVar or InterVar, whereas VarSome classifies it as pathogenic. As a nonsense variant, however, the pathogenicity of this particular variant require further investigation. In this study, the clinical significance of the variant remained uncertain. Further evidence, including follow-up clinical and imaging assessment, exclusion of Canavan disease, and functional or segregation data, is needed to establish whether it is causal.

Literature cited by the submitters: PubMed 33193593.